The following is an entry in ClinVar:

ClinVar aggregate classification (germline): Benign/Likely benign. Review status: criteria provided, multiple submitters, no conflicts (2 of 4 stars). 5 submissions from 5 submitters: Benign (1); Likely benign (3). 1 of the submissions does not count toward it. Last evaluated 2026-06-02.

Conditions:
KIT-related disorder. Also called: KIT-related condition.
Gastrointestinal stromal tumor. Also called: Gastrointestinal stroma tumor; Gastrointestinal stromal tumor, somatic. Identifiers: Orphanet 44890, MedGen C0238198, MeSH D046152, MONDO:0011719, OMIM 606764, HP:0100723.
Hereditary cancer-predisposing syndrome. Also called: Tumor predisposition; Hereditary neoplastic syndrome; Neoplastic Syndromes, Hereditary; Hereditary Cancer Syndrome. Identifiers: Orphanet 140162, MedGen C0027672, MeSH D009386, MONDO:0015356.

Allele frequency attached by ClinVar (database versions not stated): ExAC 0.00001; gnomAD 0.00001; gnomAD exomes 0.00001.
gnomAD v4.1: 10 of 1,613,806 alleles (0.00062%); highest among the groups gnomAD compares: Non-Finnish European, 0.00085%; no homozygotes.

Submissions (5):

Myriad Genetics, Inc.
Classification: Benign for Gastrointestinal stromal tumor. Last evaluated: 2026-06-02. Review status: criteria provided, single submitter. Criteria: Myriad Autosomal Dominant, Autosomal Recessive and X-Linked Classification Criteria (2023). Collection method: clinical testing. Allele origin: unknown.
Comment: This variant is considered benign. This variant is a silent/synonymous amino acid change and it is not expected to impact splicing.

Labcorp Genetics (formerly Invitae), Labcorp
Classification: Likely benign for Gastrointestinal stromal tumor. Last evaluated: 2026-01-17. Review status: criteria provided, single submitter. Criteria: Invitae Variant Classification Sherloc (09022015). Collection method: clinical testing. Allele origin: germline.

Ambry Genetics
Classification: Likely benign for Hereditary cancer-predisposing syndrome. Last evaluated: 2023-04-27. Review status: criteria provided, single submitter. Criteria: Ambry Variant Classification Scheme 2023. Collection method: clinical testing. Allele origin: germline.

Blueprint Genetics
Classification: Likely benign. Last evaluated: 2020-12-04. Review status: criteria provided, single submitter. Criteria: ACMG Guidelines, 2015. Collection method: clinical testing. Allele origin: germline.

PreventionGenetics, part of Exact Sciences
Classification: Likely benign for KIT-related condition. Last evaluated: 2024-03-22. Review status: no assertion criteria provided. Collection method: clinical testing. Allele origin: germline. Not counted in ClinVar's aggregate classification.
Comment: This variant is classified as likely benign based on ACMG/AMP sequence variant interpretation guidelines (Richards et al. 2015 PMID: 25741868, with internal and published modifications).

NM_000222.3(KIT):c.678G>A (p.Gly226=)

Gene: KIT (KIT proto-oncogene, receptor tyrosine kinase; plus strand). Cytogenetic location: 4q12.
Variant type: single nucleotide variant.
Coding change: c.678G>A on transcript NM_000222.3 (MANE Select); coding-DNA position 678, G replaced by A.
Protein change: p.Gly226=; no amino-acid change (glycine 226 retained).
Molecular consequence: synonymous variant.
Genome position (GRCh38, 1-based): chr4:54,699,688, G>A. VCF-style: chr4-54699688-G-A. GRCh37 (hg19) VCF-style: chr4-55565854-G-A.
Other names: c.678G>A, p.Gly226= (NM_001093772.2, NM_001385284.1, NM_001385285.1 and 4 more transcripts).
Identifiers: ClinVar variation 770319 (VCV000770319.16), dbSNP rs761411033, ClinGen allele CA2923294.